The following is an entry in ClinVar:

ClinVar aggregate classification (germline): Uncertain significance (1 of 4 stars; one submission).

Allele frequency attached by ClinVar (database versions not stated): ExAC 0.00002; gnomAD 0.00003; TOPMed 0.00005; ESP Exome Variant Server 0.00008.
gnomAD v4.1: 6 of 1,610,532 alleles (0.00037%); highest among the groups gnomAD compares: African/African-American, 0.0081%; no homozygotes.

Submission:

Labcorp Genetics (formerly Invitae), Labcorp
Classification: Uncertain significance. Last evaluated: 2022-09-10. Review status: criteria provided, single submitter. Criteria: Invitae Variant Classification Sherloc (09022015). Collection method: clinical testing. Allele origin: germline.
Comment: In summary, the available evidence is currently insufficient to determine the role of this variant in disease. Therefore, it has been classified as a Variant of Uncertain Significance. Algorithms developed to predict the effect of missense changes on protein structure and function (SIFT, PolyPhen-2, Align-GVGD) all suggest that this variant is likely to be tolerated. This variant has not been reported in the literature in individuals affected with CTR9-related conditions. This variant is present in population databases (rs369502784, gnomAD 0.03%). This sequence change replaces glutamic acid, which is acidic and polar, with lysine, which is basic and polar, at codon 846 of the CTR9 protein (p.Glu846Lys).

NM_014633.5(CTR9):c.2536G>A (p.Glu846Lys)

Gene: CTR9 (CTR9 component of Paf1/RNA polymerase II complex; plus strand). Cytogenetic location: 11p15.4.
Variant type: single nucleotide variant.
Coding change: c.2536G>A on transcript NM_014633.5 (MANE Select); coding-DNA position 2536, G replaced by A.
Protein change: p.Glu846Lys; replaces glutamic acid 846 with lysine.
Molecular consequence: missense variant.
Genome position (GRCh38, 1-based): chr11:10,772,611, G>A. VCF-style: chr11-10772611-G-A. GRCh37 (hg19) VCF-style: chr11-10794158-G-A.
Other names: c.2464G>A, p.Glu822Lys (NM_001346279.2); short protein forms E822K, E846K.
Identifiers: ClinVar variation 2186021 (VCV002186021.4), dbSNP rs369502784, ClinGen allele CA5885349.
Genomic context (GRCh38, chr11:10,772,611, plus strand): 5'-TACCATGTGGCCCGGGCACGCAAACAAGATGAAGAAGAGCGGGAGCTGCGGGCCAAGCAA[G>A]AGCAAGAAAAGGAGCTGTTAAGGCAGAAACTTCTTAAAGAACAGGTATCTTGTATTTTCC-3'
Protein context (NP_055448.1, residues 836-856): EEERELRAKQ[Glu846Lys]QEKELLRQKL